The following is an entry in ClinVar:

ClinVar aggregate classification (germline): Pathogenic (1 of 4 stars; one submission).

Allele frequency attached by ClinVar (database versions not stated): TOPMed below 0.00001.

Submission:

Labcorp Genetics (formerly Invitae), Labcorp
Classification: Pathogenic. Last evaluated: 2021-12-13. Review status: criteria provided, single submitter. Criteria: Invitae Variant Classification Sherloc (09022015). Collection method: clinical testing. Allele origin: germline.
Comment: This variant is not present in population databases (gnomAD no frequency). This sequence change creates a premature translational stop signal (p.Tyr276*) in the USH2A gene. It is expected to result in an absent or disrupted protein product. Loss-of-function variants in USH2A are known to be pathogenic (PMID: 10729113, 10909849, 20507924, 25649381). This variant has not been reported in the literature in individuals affected with USH2A-related conditions. For these reasons, this variant has been classified as Pathogenic.

Literature cited by the submitters: PubMed 10729113; PubMed 10909849; PubMed 20507924; PubMed 25649381.

NM_206933.4(USH2A):c.828C>A (p.Tyr276Ter)

Gene: USH2A (usherin; minus strand). Cytogenetic location: 1q41.
Variant type: single nucleotide variant.
Coding change: c.828C>A on transcript NM_206933.4 (MANE Select); coding-DNA position 828, C replaced by A.
Protein change: p.Tyr276Ter; replaces tyrosine 276 with a stop codon.
Molecular consequence: nonsense.
Genome position (GRCh38, 1-based): chr1:216,327,611, G>T on the plus strand (C>A on the coding strand, the complement: USH2A is on the minus strand). VCF-style: chr1-216327611-G-T. GRCh37 (hg19) VCF-style: chr1-216500953-G-T.
Other names: c.828C>A, p.Tyr276Ter (NM_007123.6); short protein forms Y276*.
Identifiers: ClinVar variation 2041904 (VCV002041904.4), dbSNP rs1553250952, ClinGen allele CA344912840.